The following is an entry in ClinVar:

ClinVar aggregate classification (germline): Uncertain significance (1 of 4 stars; one submission).

Submission:

Labcorp Genetics (formerly Invitae), Labcorp
Classification: Uncertain significance. Last evaluated: 2023-08-10. Review status: criteria provided, single submitter. Criteria: Invitae Variant Classification Sherloc (09022015). Collection method: clinical testing. Allele origin: germline.
Comment: In summary, the available evidence is currently insufficient to determine the role of this variant in disease. Therefore, it has been classified as a Variant of Uncertain Significance. This variant has not been reported in the literature in individuals affected with OR2W3-related conditions. A gross deletion of the genomic region encompassing the full coding sequence of the OR2W3 gene has been identified. The current clinical and genetic evidence is not sufficient to establish whether loss-of-function variants in OR2W3 cause disease. The boundaries of this event are unknown as they extend beyond the assayed region for this gene and therefore may encompass additional genes.

NC_000001.10:g.(?_248058889)_(248059833_?)del

Gene: OR2W3 (olfactory receptor family 2 subfamily W member 3; plus strand). Cytogenetic location: 1q44.
Variant type: Deletion.
Identifiers: ClinVar variation 1409982 (VCV001409982.5).